The following is an entry in ClinVar:

NM_182961.4(SYNE1):c.4163G>A (p.Arg1388Gln)

Gene: SYNE1 (spectrin repeat containing nuclear envelope protein 1; minus strand). Cytogenetic location: 6q25.2.
Variant type: single nucleotide variant.
Coding change: c.4163G>A on transcript NM_182961.4 (MANE Select); coding-DNA position 4163, G replaced by A.
Protein change: p.Arg1388Gln; replaces arginine 1388 with glutamine.
Molecular consequence: missense variant.
Genome position (GRCh38, 1-based): chr6:152,436,088, C>T on the plus strand (G>A on the coding strand, the complement: SYNE1 is on the minus strand). VCF-style: chr6-152436088-C-T. GRCh37 (hg19) VCF-style: chr6-152757223-C-T.
Other names: c.4184G>A, p.Arg1395Gln (NM_033071.5); short protein forms R1395Q, R1388Q.
Identifiers: ClinVar variation 2157939 (VCV002157939.2), dbSNP rs770990182, ClinGen allele CA4058626.

ClinVar aggregate classification (germline): Uncertain significance (1 of 4 stars; one submission).

Conditions:
Autosomal recessive ataxia, Beauce type. Also called: SYNE1-Related Autosomal Recessive Cerebellar Ataxia; Spinocerebellar ataxia, autosomal recessive 8; ATAXIA, RECESSIVE, OF BEAUCE; SYNE1 Deficiency. Identifiers: Orphanet 88644, MedGen C1853116, MONDO:0012549, OMIM 610743.
Emery-Dreifuss muscular dystrophy 4, autosomal dominant (EDMD4). Also called: EMERY-DREIFUSS MUSCULAR DYSTROPHY 4 WITH VARIABLE FEATURES. Identifiers: Orphanet 261, MedGen C2751807, MONDO:0013071, OMIM 612998.

Allele frequency attached by ClinVar (database versions not stated): gnomAD exomes 0.00001; TOPMed 0.00001; ExAC 0.00003; gnomAD 0.00003.
gnomAD v4.1: 21 of 1,613,508 alleles (0.0013%); highest among the groups gnomAD compares: East Asian, 0.0045%; no homozygotes.

Submission:

Labcorp Genetics (formerly Invitae), Labcorp
Classification: Uncertain significance for Emery-Dreifuss muscular dystrophy 4, autosomal dominant; Autosomal recessive ataxia, Beauce type. Last evaluated: 2022-02-02. Review status: criteria provided, single submitter. Criteria: Invitae Variant Classification Sherloc (09022015). Collection method: clinical testing. Allele origin: germline.
Comment: Algorithms developed to predict the effect of sequence changes on RNA splicing suggest that this variant may create or strengthen a splice site. In summary, the available evidence is currently insufficient to determine the role of this variant in disease. Therefore, it has been classified as a Variant of Uncertain Significance. Algorithms developed to predict the effect of missense changes on protein structure and function are either unavailable or do not agree on the potential impact of this missense change (SIFT: "Deleterious"; PolyPhen-2: "Benign"; Align-GVGD: "Class C0"). This variant has not been reported in the literature in individuals affected with SYNE1-related conditions. This variant is present in population databases (rs770990182, gnomAD 0.006%). This sequence change replaces arginine, which is basic and polar, with glutamine, which is neutral and polar, at codon 1395 of the SYNE1 protein (p.Arg1395Gln).